The following is an entry in ClinVar:

ClinVar aggregate classification (germline): Uncertain significance. Review status: criteria provided, multiple submitters, no conflicts (2 of 4 stars). 4 submissions from 4 submitters: Uncertain significance (4). Last evaluated 2026-09-23.

Conditions:
Bethlem myopathy 1A. Also called: Bethlem myopathy 1; Bethlem Muscular Dystrophy; MYOPATHY, BENIGN CONGENITAL, WITH CONTRACTURES. Identifiers: Orphanet 610, MedGen CN029274, MONDO:0024530, OMIM 158810.
COL6A2-related disorder.

Allele frequency attached by ClinVar (database versions not stated): gnomAD 0.00003; TOPMed 0.00003.
gnomAD v4.1: 46 of 1,607,684 alleles (0.0029%); highest among the groups gnomAD compares: South Asian, 0.016%; no homozygotes.

Submissions (4):

GeneDx
Classification: Uncertain significance. Last evaluated: 2026-09-23. Review status: criteria provided, single submitter. Criteria: GeneDx Variant Classification Process June 2021. Collection method: clinical testing. Allele origin: germline.
Comment: In silico analysis supports that this missense variant has a deleterious effect on protein structure/function; Has not been previously published as pathogenic or benign to our knowledge

PreventionGenetics, part of Exact Sciences
Classification: Uncertain significance for COL6A2-related condition. Last evaluated: 2025-09-03. Review status: criteria provided, single submitter. Criteria: ACMG Guidelines, 2015. Collection method: clinical testing. Allele origin: germline.
Comment: The COL6A2 c.2843C>T variant is predicted to result in the amino acid substitution p.Thr948Met. To our knowledge, this variant has not been reported in the literature. This variant is reported in 0.021% of alleles in individuals of East Asian descent in gnomAD. At this time, the clinical significance of this variant is uncertain due to the absence of conclusive functional and genetic evidence.

Labcorp Genetics (formerly Invitae), Labcorp
Classification: Uncertain significance for Bethlem myopathy 1A. Last evaluated: 2024-11-16. Review status: criteria provided, single submitter. Criteria: Invitae Variant Classification Sherloc (09022015). Collection method: clinical testing. Allele origin: germline.
Comment: This sequence change replaces threonine, which is neutral and polar, with methionine, which is neutral and non-polar, at codon 948 of the COL6A2 protein (p.Thr948Met). This variant is present in population databases (rs367980010, gnomAD 0.02%). This variant has not been reported in the literature in individuals affected with COL6A2-related conditions. ClinVar contains an entry for this variant (Variation ID: 451821). Invitae Evidence Modeling of protein sequence and biophysical properties (such as structural, functional, and spatial information, amino acid conservation, physicochemical variation, residue mobility, and thermodynamic stability) indicates that this missense variant is expected to disrupt COL6A2 protein function with a positive predictive value of 80%. In summary, the available evidence is currently insufficient to determine the role of this variant in disease. Therefore, it has been classified as a Variant of Uncertain Significance.

Revvity Omics, Revvity
Classification: Uncertain significance. Last evaluated: 2023-08-16. Review status: criteria provided, single submitter. Criteria: ACMG Guidelines, 2015. Collection method: clinical testing. Allele origin: germline.

NM_001849.4(COL6A2):c.2843C>T (p.Thr948Met)

Gene: COL6A2 (collagen type VI alpha 2 chain; plus strand). Cytogenetic location: 21q22.3.
Variant type: single nucleotide variant.
Coding change: c.2843C>T on transcript NM_001849.4 (MANE Select); coding-DNA position 2843, C replaced by T.
Protein change: p.Thr948Met; replaces threonine 948 with methionine.
Molecular consequence: missense variant.
Genome position (GRCh38, 1-based): chr21:46,132,335, C>T. VCF-style: chr21-46132335-C-T. GRCh37 (hg19) VCF-style: chr21-47552249-C-T.
Other names: short protein forms T948M.
Identifiers: ClinVar variation 451821 (VCV000451821.17), dbSNP rs367980010, ClinGen allele CA10073047.